The following is an entry in ClinVar:

NM_000551.4(VHL):c.632T>C (p.Met211Thr)

Genes: VHL (von Hippel-Lindau tumor suppressor; plus strand), LOC107303340 (3p25 von Hippel-Lindau tumor suppressor, E3 ubiquitin protein ligase Alu-mediated recombination region; plus strand). Cytogenetic location: 3p25.3.
Variant type: single nucleotide variant.
Coding change: c.632T>C on transcript NM_000551.4 (MANE Select); coding-DNA position 632, T replaced by C.
Protein change: p.Met211Thr; replaces methionine 211 with threonine.
Molecular consequence: missense variant. On other transcripts: 3 prime UTR variant (1).
Genome position (GRCh38, 1-based): chr3:10,149,955, T>C. VCF-style: chr3-10149955-T-C. GRCh37 (hg19) VCF-style: chr3-10191639-T-C.
Other names: c.*186T>C (NM_001354723.2); c.509T>C, p.Met170Thr (NM_198156.3); short protein forms M211T, M170T.
Identifiers: ClinVar variation 639823 (VCV000639823.5), dbSNP rs1366708242, ClinGen allele CA351756699.
Genomic context (GRCh38, chr3:10,149,955, plus strand): 5'-ACCCAAATGTGCAGAAAGACCTGGAGCGGCTGACACAGGAGCGCATTGCACATCAACGGA[T>C]GGGAGATTGAAGATTTCTGTTGAAACTTACACTGTTTCATCTCAGCTTTTGATGGTACTG-3'
Protein context (NP_000542.1, residues 201-213): LTQERIAHQR[Met211Thr]GD

ClinVar aggregate classification (germline): Uncertain significance. Review status: criteria provided, multiple submitters, no conflicts (2 of 4 stars). 2 submissions from 2 submitters: Uncertain significance (2). Last evaluated 2025-08-15.

Conditions:
Hereditary cancer-predisposing syndrome. Also called: Hereditary Cancer Syndrome; Neoplastic Syndromes, Hereditary; Tumor predisposition; Hereditary neoplastic syndrome. Identifiers: Orphanet 140162, MedGen C0027672, MeSH D009386, MONDO:0015356.
Von Hippel-Lindau syndrome (VHLS). Also called: Von Hippel-Lindau; VHL syndrome; von Hippel–Lindau syndrome. Identifiers: Orphanet 892, MedGen C0019562, MONDO:0008667, OMIM 193300. Disease mechanism: loss of function.
Chuvash polycythemia. Also called: POLYCYTHEMIA, VHL-DEPENDENT. Identifiers: Orphanet 238557, MedGen C1837915, MONDO:0009892, OMIM 263400.

Allele frequency attached by ClinVar (database versions not stated): gnomAD exomes below 0.00001.
gnomAD v4.1: 1 of 1,613,744 alleles (0.000062%); no homozygotes.

Submissions (2):

Ambry Genetics
Classification: Uncertain significance for Hereditary cancer-predisposing syndrome. Last evaluated: 2025-08-15. Review status: criteria provided, single submitter. Criteria: Ambry Variant Classification Scheme 2023. Collection method: clinical testing. Allele origin: germline.
Comment: The p.M211T variant (also known as c.632T>C), located in coding exon 3 of the VHL gene, results from a T to C substitution at nucleotide position 632. The methionine at codon 211 is replaced by threonine, an amino acid with similar properties. This variant was determined to be functionally deleterious in one saturation genome editing assay (Buckley M et al. Nat Genet, 2024 Jul;56:1446-1455). This amino acid position is not well conserved in available vertebrate species. In addition, the in silico prediction for this alteration is inconclusive. Based on the available evidence, the clinical significance of this variant remains unclear.

Labcorp Genetics (formerly Invitae), Labcorp
Classification: Uncertain significance for Von Hippel-Lindau syndrome; Chuvash polycythemia. Last evaluated: 2023-04-21. Review status: criteria provided, single submitter. Criteria: Invitae Variant Classification Sherloc (09022015). Collection method: clinical testing. Allele origin: germline.
Comment: In summary, the available evidence is currently insufficient to determine the role of this variant in disease. Therefore, it has been classified as a Variant of Uncertain Significance. Advanced modeling of protein sequence and biophysical properties (such as structural, functional, and spatial information, amino acid conservation, physicochemical variation, residue mobility, and thermodynamic stability) performed at Invitae indicates that this missense variant is not expected to disrupt VHL protein function. ClinVar contains an entry for this variant (Variation ID: 639823). This variant has not been reported in the literature in individuals affected with VHL-related conditions. This variant is present in population databases (no rsID available, gnomAD no frequency). This sequence change replaces methionine, which is neutral and non-polar, with threonine, which is neutral and polar, at codon 211 of the VHL protein (p.Met211Thr).

Literature cited by the submitters: PubMed 38969834 (cited by Ambry Genetics).